The following is an entry in ClinVar:

NM_004260.4(RECQL4):c.1855C>T (p.Pro619Ser)

Gene: RECQL4 (RecQ like helicase 4; minus strand). Cytogenetic location: 8q24.3.
Variant type: single nucleotide variant.
Coding change: c.1855C>T on transcript NM_004260.4 (MANE Select); coding-DNA position 1855, C replaced by T.
Protein change: p.Pro619Ser; replaces proline 619 with serine.
Molecular consequence: missense variant.
Genome position (GRCh38, 1-based): chr8:144,514,212, G>A on the plus strand (C>T on the coding strand, the complement: RECQL4 is on the minus strand). VCF-style: chr8-144514212-G-A. GRCh37 (hg19) VCF-style: chr8-145739596-G-A.
Other names: short protein forms P619S.
Identifiers: ClinVar variation 949082 (VCV000949082.7), dbSNP rs773620376, ClinGen allele CA4948634.
Genomic context (GRCh38, chr8:144,514,212, plus strand): 5'-GGCCCTGGCCGCCCACCCCAGTTCACATATGGCTCACCTTGCAGACGCGCAGGTAGCAGG[G>A]CCGGAAGTTGTGGGACCACTGGGAGAGGCAGTGGGCCTCATCAATGCAGGCAAAAGCAAC-3'
Protein context (NP_004251.4, residues 609-629): CLSQWSHNFR[Pro619Ser]CYLRVCKVLR

ClinVar aggregate classification (germline): Uncertain significance. Review status: criteria provided, multiple submitters, no conflicts (2 of 4 stars). 3 submissions from 3 submitters: Uncertain significance (3). Last evaluated 2025-06-20.

Conditions:
Inborn genetic diseases. Identifiers: MedGen C0950123, MeSH D030342.
RECQL4-related disorder. Also called: RECQL4-related condition; RECQL4-related disorders.
Baller-Gerold syndrome (BGS). Also called: CRANIOSYNOSTOSIS WITH RADIAL DEFECTS. Identifiers: Orphanet 1225, MedGen C0265308, MONDO:0009039, OMIM 218600.

Allele frequency attached by ClinVar (database versions not stated): gnomAD exomes below 0.00001; ExAC 0.00001.

Submissions (3):

Labcorp Genetics (formerly Invitae), Labcorp
Classification: Uncertain significance for Baller-Gerold syndrome. Last evaluated: 2025-06-20. Review status: criteria provided, single submitter. Criteria: Invitae Variant Classification Sherloc (09022015). Collection method: clinical testing. Allele origin: germline.
Comment: This sequence change replaces proline, which is neutral and non-polar, with serine, which is neutral and polar, at codon 619 of the RECQL4 protein (p.Pro619Ser). The frequency data for this variant in the population databases is considered unreliable, as metrics indicate poor data quality at this position in the gnomAD database. This variant has not been reported in the literature in individuals affected with RECQL4-related conditions. ClinVar contains an entry for this variant (Variation ID: 949082). Invitae Evidence Modeling of protein sequence and biophysical properties (such as structural, functional, and spatial information, amino acid conservation, physicochemical variation, residue mobility, and thermodynamic stability) indicates that this missense variant is expected to disrupt RECQL4 protein function with a positive predictive value of 80%. In summary, the available evidence is currently insufficient to determine the role of this variant in disease. Therefore, it has been classified as a Variant of Uncertain Significance.

Ambry Genetics
Classification: Uncertain significance for Inborn genetic diseases. Last evaluated: 2025-06-07. Review status: criteria provided, single submitter. Criteria: Ambry Variant Classification Scheme 2023. Collection method: clinical testing. Allele origin: germline.
Comment: The p.P619S variant (also known as c.1855C>T), located in coding exon 11 of the RECQL4 gene, results from a C to T substitution at nucleotide position 1855. The proline at codon 619 is replaced by serine, an amino acid with similar properties. This amino acid position is conserved. In addition, the in silico prediction for this alteration is inconclusive. Based on the available evidence, the clinical significance of this variant remains unclear.

PreventionGenetics, part of Exact Sciences
Classification: Uncertain significance for RECQL4-related condition. Last evaluated: 2024-10-11. Review status: criteria provided, single submitter. Criteria: ACMG Guidelines, 2015. Collection method: clinical testing. Allele origin: germline.
Comment: The RECQL4 c.1855C>T variant is predicted to result in the amino acid substitution p.Pro619Ser. To our knowledge, this variant has not been reported in the literature. This variant is reported in 0.00091% of alleles in individuals of European (Non-Finnish) descent in gnomAD. At this time, the clinical significance of this variant is uncertain due to the absence of conclusive functional and genetic evidence.